The following is an entry in ClinVar:

ClinVar aggregate classification (germline): Likely benign. Review status: criteria provided, multiple submitters, no conflicts (2 of 4 stars). 2 submissions from 2 submitters: Likely benign (2). Last evaluated 2026-09-01.

Conditions:
Hereditary spastic paraplegia 39 (SPG39). Also called: SPASTIC PARAPLEGIA 39, AUTOSOMAL RECESSIVE; Spastic Paraplegia Type 39 (SPG39). Identifiers: Orphanet 139480, MedGen C2677586, MONDO:0012787, OMIM 612020.

Allele frequency attached by ClinVar (database versions not stated): ExAC 0.00007; ESP Exome Variant Server 0.00015; gnomAD 0.00001 and 0.00002; gnomAD exomes 0.00001 and 0.00006; TOPMed 0.00003.
gnomAD v4.1: 23 of 1,601,916 alleles (0.0014%); highest among the groups gnomAD compares: South Asian, 0.01%; no homozygotes.

Submissions (2):

CeGaT Center for Human Genetics Tuebingen
Classification: Likely benign. Last evaluated: 2026-09-01. Review status: criteria provided, single submitter. Criteria: CeGaT Center For Human Genetics Tuebingen Variant Classification Criteria Version 2. Collection method: clinical testing. Allele origin: germline. Affected: yes. Observed: 1 variant allele.
Comment: PNPLA6: BP4, BP7

Labcorp Genetics (formerly Invitae), Labcorp
Classification: Likely benign for Hereditary spastic paraplegia 39. Last evaluated: 2026-01-24. Review status: criteria provided, single submitter. Criteria: Invitae Variant Classification Sherloc (09022015). Collection method: clinical testing. Allele origin: germline.

NM_001166114.2(PNPLA6):c.4017C>T (p.Ser1339=)

Gene: PNPLA6 (patatin like domain 6, lysophospholipase; plus strand). Cytogenetic location: 19p13.2.
Variant type: single nucleotide variant.
Coding change: c.4017C>T on transcript NM_001166114.2 (MANE Select); coding-DNA position 4017, C replaced by T.
Protein change: p.Ser1339=; no amino-acid change (serine 1339 retained).
Molecular consequence: synonymous variant.
Genome position (GRCh38, 1-based): chr19:7,561,311, C>T. VCF-style: chr19-7561311-C-T. GRCh37 (hg19) VCF-style: chr19-7626197-C-T.
Other names: c.4047C>T, p.Ser1349= (NM_001166111.2); c.3822C>T, p.Ser1274= (NM_001166112.2); c.3903C>T, p.Ser1301= (NM_001166113.1, NM_006702.5).
Identifiers: ClinVar variation 1606706 (VCV001606706.9), dbSNP rs140501151, ClinGen allele CA9140667.